The following is an entry in ClinVar:

NM_000642.3(AGL):c.811A>G (p.Ile271Val)

Gene: AGL (amylo-alpha-1,6-glucosidase and 4-alpha-glucanotransferase; plus strand). Cytogenetic location: 1p21.2.
Variant type: single nucleotide variant.
Coding change: c.811A>G on transcript NM_000642.3 (MANE Select); coding-DNA position 811, A replaced by G.
Protein change: p.Ile271Val; replaces isoleucine 271 with valine.
Molecular consequence: missense variant.
Genome position (GRCh38, 1-based): chr1:99,870,546, A>G. VCF-style: chr1-99870546-A-G. GRCh37 (hg19) VCF-style: chr1-100336102-A-G.
Other names: c.811A>G, p.Ile271Val (NM_000028.3, NM_000643.3, NM_000644.3 and 3 more transcripts); c.763A>G, p.Ile255Val (NM_000646.3); c.607A>G, p.Ile203Val (NM_001425328.1, NM_001425329.1); c.433A>G, p.Ile145Val (NM_001425332.1); short protein forms I255V, I271V, I145V, I203V.
Identifiers: ClinVar variation 1367248 (VCV001367248.3), dbSNP rs2101112504, ClinGen allele CA341340260.

ClinVar aggregate classification (germline): Uncertain significance (1 of 4 stars; one submission).

Conditions:
Glycogen storage disease type III (GSD3). Also called: Cori disease; FORBES DISEASE. Identifiers: Orphanet 366, MedGen C0017922, MONDO:0009291, OMIM 232400.

Submission:

Labcorp Genetics (formerly Invitae), Labcorp
Classification: Uncertain significance for Glycogen storage disease type III. Last evaluated: 2022-08-23. Review status: criteria provided, single submitter. Criteria: Invitae Variant Classification Sherloc (09022015). Collection method: clinical testing. Allele origin: germline.
Comment: This sequence change replaces isoleucine, which is neutral and non-polar, with valine, which is neutral and non-polar, at codon 271 of the AGL protein (p.Ile271Val). This variant is not present in population databases (gnomAD no frequency). This variant has not been reported in the literature in individuals affected with AGL-related conditions. ClinVar contains an entry for this variant (Variation ID: 1367248). Algorithms developed to predict the effect of missense changes on protein structure and function output the following: SIFT: "Tolerated"; PolyPhen-2: "Benign"; Align-GVGD: "Class C0". The valine amino acid residue is found in multiple mammalian species, which suggests that this missense change does not adversely affect protein function. In summary, the available evidence is currently insufficient to determine the role of this variant in disease. Therefore, it has been classified as a Variant of Uncertain Significance.